The following is an entry in ClinVar:

NM_006231.4(POLE):c.3478C>T (p.Arg1160Cys)

Gene: POLE (DNA polymerase epsilon, catalytic subunit; minus strand). Cytogenetic location: 12q24.33.
Variant type: single nucleotide variant.
Coding change: c.3478C>T on transcript NM_006231.4 (MANE Select); coding-DNA position 3478, C replaced by T.
Protein change: p.Arg1160Cys; replaces arginine 1160 with cysteine.
Molecular consequence: missense variant.
Genome position (GRCh38, 1-based): chr12:132,657,240, G>A on the plus strand (C>T on the coding strand, the complement: POLE is on the minus strand). VCF-style: chr12-132657240-G-A. GRCh37 (hg19) VCF-style: chr12-133233826-G-A.
Other names: short protein forms R1160C.
Identifiers: ClinVar variation 656766 (VCV000656766.15), dbSNP rs777401444, ClinGen allele CA6893202.

ClinVar aggregate classification (germline): Uncertain significance. Review status: criteria provided, multiple submitters, no conflicts (2 of 4 stars). 4 submissions from 4 submitters: Uncertain significance (4). Last evaluated 2025-01-29.

Conditions:
Hereditary cancer-predisposing syndrome. Also called: Hereditary neoplastic syndrome; Hereditary Cancer Syndrome; Tumor predisposition; Neoplastic Syndromes, Hereditary. Identifiers: Orphanet 140162, MedGen C0027672, MeSH D009386, MONDO:0015356.

Allele frequency attached by ClinVar (database versions not stated): gnomAD 0.00001 and 0.00002; ExAC 0.00003; gnomAD exomes 0.00003 and 0.00004.
gnomAD v4.1: 39 of 1,613,860 alleles (0.0024%); highest among the groups gnomAD compares: South Asian, 0.038%; no homozygotes.

Submissions (4):

Ambry Genetics
Classification: Uncertain significance for Hereditary cancer-predisposing syndrome. Last evaluated: 2025-01-29. Review status: criteria provided, single submitter. Criteria: Ambry Variant Classification Scheme 2023. Collection method: clinical testing. Allele origin: germline.
Comment: The p.R1160C variant (also known as c.3478C>T), located in coding exon 29 of the POLE gene, results from a C to T substitution at nucleotide position 3478. The arginine at codon 1160 is replaced by cysteine, an amino acid with highly dissimilar properties. This amino acid position is conserved. In addition, the in silico prediction for this alteration is inconclusive. Based on the available evidence, the clinical significance of this variant remains unclear.

Labcorp Genetics (formerly Invitae), Labcorp
Classification: Uncertain significance. Last evaluated: 2024-12-29. Review status: criteria provided, single submitter. Criteria: Invitae Variant Classification Sherloc (09022015). Collection method: clinical testing. Allele origin: germline.
Comment: This sequence change replaces arginine, which is basic and polar, with cysteine, which is neutral and slightly polar, at codon 1160 of the POLE protein (p.Arg1160Cys). This variant is present in population databases (rs777401444, gnomAD 0.03%). This variant has not been reported in the literature in individuals affected with POLE-related conditions. ClinVar contains an entry for this variant (Variation ID: 656766). Invitae Evidence Modeling of protein sequence and biophysical properties (such as structural, functional, and spatial information, amino acid conservation, physicochemical variation, residue mobility, and thermodynamic stability) indicates that this missense variant is expected to disrupt POLE protein function with a positive predictive value of 80%. In summary, the available evidence is currently insufficient to determine the role of this variant in disease. Therefore, it has been classified as a Variant of Uncertain Significance.

Blueprint Genetics
Classification: Uncertain significance. Last evaluated: 2023-04-27. Review status: criteria provided, single submitter. Criteria: ACMG Guidelines, 2015. Collection method: clinical testing. Allele origin: germline.

GeneDx
Classification: Uncertain significance. Last evaluated: 2021-06-02. Review status: criteria provided, single submitter. Criteria: GeneDx Variant Classification Process June 2021. Collection method: clinical testing. Allele origin: germline. Affected: yes.
Comment: Not observed at significant frequency in large population cohorts (Lek et al., 2016); In silico analysis supports that this missense variant has a deleterious effect on protein structure/function; Has not been previously published as pathogenic or benign to our knowledge; This variant is associated with the following publications: (PMID: 27535533)